The following is an entry in ClinVar:

ClinVar aggregate classification (germline): Uncertain significance (1 of 4 stars; one submission).

Conditions:
Hereditary cancer-predisposing syndrome. Also called: Hereditary neoplastic syndrome; Neoplastic Syndromes, Hereditary; Tumor predisposition; Hereditary Cancer Syndrome. Identifiers: Orphanet 140162, MedGen C0027672, MeSH D009386, MONDO:0015356.

Submission:

Ambry Genetics
Classification: Uncertain significance for Hereditary cancer-predisposing syndrome. Last evaluated: 2025-08-20. Review status: criteria provided, single submitter. Criteria: Ambry Variant Classification Scheme 2023. Collection method: clinical testing. Allele origin: germline.
Comment: The p.K84N variant (also known as c.252A>T), located in coding exon 2 of the PHOX2B gene, results from an A to T substitution at nucleotide position 252. The lysine at codon 84 is replaced by asparagine, an amino acid with similar properties. This amino acid position is conserved. In addition, the in silico prediction for this alteration is inconclusive. Based on the available evidence, the clinical significance of this variant remains unclear.

NM_003924.4(PHOX2B):c.252A>T (p.Lys84Asn)

Gene: PHOX2B (paired like homeobox 2B; minus strand). Cytogenetic location: 4p13.
Variant type: single nucleotide variant.
Coding change: c.252A>T on transcript NM_003924.4 (MANE Select); coding-DNA position 252, A replaced by T.
Protein change: p.Lys84Asn; replaces lysine 84 with asparagine.
Molecular consequence: missense variant.
Genome position (GRCh38, 1-based): chr4:41,747,526, T>A on the plus strand (A>T on the coding strand, the complement: PHOX2B is on the minus strand). VCF-style: chr4-41747526-T-A. GRCh37 (hg19) VCF-style: chr4-41749543-T-A.
Other names: short protein forms K84N.
Identifiers: ClinVar variation 4136092 (VCV004136092.1).
Genomic context (GRCh38, chr4:41,747,526, plus strand): 5'-AGTGGTGCGGATGCGCCGCTGCTTGCGCTTCTCGTTGAGGCCGCCGTGGTCCGTGAAGAG[T>A]TTGTAAGGAACTAGAGTATGACAGAGGAGACAGAAAGTGAGCAAATCAGCCGGCAGCTCG-3'
Protein context (NP_003915.2, residues 74-94): QSSPYAAVPY[Lys84Asn]LFTDHGGLNE